The following is an entry in ClinVar:

NM_206933.4(USH2A):c.10667G>A (p.Gly3556Glu)

Gene: USH2A (usherin; minus strand). Cytogenetic location: 1q41.
Variant type: single nucleotide variant.
Coding change: c.10667G>A on transcript NM_206933.4 (MANE Select); coding-DNA position 10667, G replaced by A.
Protein change: p.Gly3556Glu; replaces glycine 3556 with glutamic acid.
Molecular consequence: missense variant.
Genome position (GRCh38, 1-based): chr1:215,782,115, C>T on the plus strand (G>A on the coding strand, the complement: USH2A is on the minus strand). VCF-style: chr1-215782115-C-T. GRCh37 (hg19) VCF-style: chr1-215955457-C-T.
Other names: short protein forms G3556E.
Identifiers: ClinVar variation 48354 (VCV000048354.14), dbSNP rs397517968, ClinGen allele CA143229.

ClinVar aggregate classification (germline): Uncertain significance. Review status: criteria provided, multiple submitters, no conflicts (2 of 4 stars). 7 submissions from 6 submitters: Uncertain significance (6). 1 of the submissions does not count toward it. Last evaluated 2024-11-05.

Conditions:
Usher syndrome type 2A. Also called: USHER SYNDROME, TYPE IIA; RETINAL DISEASE IN USHER SYNDROME TYPE IIA, MODIFIER OF. Identifiers: Orphanet 231178, Orphanet 886, MedGen C1848634, MONDO:0010169, OMIM 276901.
Retinitis pigmentosa 39 (RP39). Identifiers: Orphanet 791, MedGen C3151138, MONDO:0013436, OMIM 613809.

Allele frequency attached by ClinVar (database versions not stated): TOPMed 0.00001.
gnomAD v4.1: 5 of 1,613,984 alleles (0.00031%); highest among the groups gnomAD compares: Non-Finnish European, 0.00042%; no homozygotes.

Submissions (7):

Blueprint Genetics
Classification: Uncertain significance. Last evaluated: 2024-11-05. Review status: criteria provided, single submitter. Criteria: ACMG Guidelines, 2015. Collection method: clinical testing. Allele origin: germline.

Genome-Nilou Lab
Classification: Uncertain significance for Retinitis pigmentosa 39. Last evaluated: 2023-11-04. Review status: criteria provided, single submitter. Criteria: ACMG Guidelines, 2015. Collection method: clinical testing. Allele origin: germline. Affected: no.

Genome-Nilou Lab
Classification: Uncertain significance for Usher syndrome type 2A. Last evaluated: 2023-11-04. Review status: criteria provided, single submitter. Criteria: ACMG Guidelines, 2015. Collection method: clinical testing. Allele origin: germline. Affected: no.

GeneDx
Classification: Uncertain significance. Last evaluated: 2022-08-19. Review status: criteria provided, single submitter. Criteria: GeneDx Variant Classification Process June 2021. Collection method: clinical testing. Allele origin: germline. Affected: yes.
Comment: Not observed at significant frequency in large population cohorts (gnomAD); In silico analysis supports that this missense variant has a deleterious effect on protein structure/function; Has not been previously published as pathogenic or benign to our knowledge

Labcorp Genetics (formerly Invitae), Labcorp
Classification: Uncertain significance. Last evaluated: 2021-09-24. Review status: criteria provided, single submitter. Criteria: Invitae Variant Classification Sherloc (09022015). Collection method: clinical testing. Allele origin: germline.
Comment: This sequence change replaces glycine with glutamic acid at codon 3556 of the USH2A protein (p.Gly3556Glu). The glycine residue is highly conserved and there is a moderate physicochemical difference between glycine and glutamic acid. This variant is not present in population databases (ExAC no frequency). This variant has not been reported in the literature in individuals with USH2A-related conditions. ClinVar contains an entry for this variant (Variation ID: 48354). Algorithms developed to predict the effect of missense changes on protein structure and function output the following: SIFT: "Deleterious"; PolyPhen-2: "Possibly Damaging"; Align-GVGD: "Class C65". The glutamic acid amino acid residue is found in multiple mammalian species, suggesting that this missense change does not adversely affect protein function. These predictions have not been confirmed by published functional studies and their clinical significance is uncertain. In summary, the available evidence is currently insufficient to determine the role of this variant in disease. Therefore, it has been classified as a Variant of Uncertain Significance.

Laboratory for Molecular Medicine, Mass General Brigham Personalized Medicine
Classification: Uncertain significance. Last evaluated: 2016-09-15. Review status: criteria provided, single submitter. Criteria: LMM Criteria. Collection method: clinical testing. Allele origin: germline. Observed: 2 variant alleles.
Comment: The p.Gly3556Glu variant in USH2A has not been reported in any individual with h earing loss in any other families or in large population studies. The Glycine (G ly) at position 3556 is not conserved in mammals or evolutionary distant species , and 2 mammals (black flying fox and megabat) carry a glutamic acid (Glu), rais ing the possibility that such a change at this position may be tolerated. Additi onal computational prediction tools suggest that this variant may impact the pro tein, though this information is not predictive enough to determine pathogenicit y. In summary, the clinical significance of the p.Gly3556Glu variant is uncertai n.

Counsyl
Classification: Uncertain significance for Usher syndrome type 2A; Retinitis pigmentosa 39. Last evaluated: 2017-12-18. Review status: no assertion criteria provided. Collection method: clinical testing. Allele origin: unknown. Not counted in ClinVar's aggregate classification.